The following is an entry in ClinVar:

NM_004415.4(DSP):c.1308G>C (p.Gln436His)

Gene: DSP (desmoplakin; plus strand). Cytogenetic location: 6p24.3.
Variant type: single nucleotide variant.
Coding change: c.1308G>C on transcript NM_004415.4 (MANE Select); coding-DNA position 1308, G replaced by C.
Protein change: p.Gln436His; replaces glutamine 436 with histidine.
Molecular consequence: missense variant.
Genome position (GRCh38, 1-based): chr6:7,568,478, G>C. VCF-style: chr6-7568478-G-C. GRCh37 (hg19) VCF-style: chr6-7568711-G-C.
Other names: c.1308G>C (LRG_423t1); c.1308G>C, p.Gln436His (NM_001008844.3, NM_001319034.2); short protein forms Q436H.
Identifiers: ClinVar variation 582059 (VCV000582059.9), dbSNP rs1057522715, ClinGen allele CA362676370.
Genomic context (GRCh38, chr6:7,568,478, plus strand): 5'-ATTTTATTCACCATTGCAGAAAGAACGAGAGAAAATCCTTGAATACAAGCGTCAGGTGCA[G>C]AACTTGGTAAACAAGTCTAAGAAGATTGTACAGCTGAAGCCTCGTAACCCAGACTACAGA-3'
Protein context (NP_004406.2, residues 426-446): EKILEYKRQV[Gln436His]NLVNKSKKIV

ClinVar aggregate classification (germline): Uncertain significance (1 of 4 stars; one submission).

Conditions:
Arrhythmogenic right ventricular dysplasia 8 (ARVD8). Also called: Arrhythmogenic Right Ventricular Dysplasia/Cardiomyopathy 8; ARRHYTHMOGENIC RIGHT VENTRICULAR CARDIOMYOPATHY 8; ARRHYTHMOGENIC RIGHT VENTRICULAR DYSPLASIA, FAMILIAL, 8. Identifiers: MedGen C1843896, MONDO:0011831, OMIM 607450.
Arrhythmogenic cardiomyopathy with wooly hair and keratoderma. Also called: Dilated cardiomyopathy with woolly hair and keratoderma; Arrhythmogenic cardiomyopathy with woolly hair and keratoderma; Carvajal syndrome; PALMOPLANTAR KERATODERMA WITH LEFT VENTRICULAR CARDIOMYOPATHY AND WOOLLY HAIR. Identifiers: Orphanet 65282, MedGen C1854063, MONDO:0011581, OMIM 605676.

gnomAD v4.1: 1 of 1,614,146 alleles (0.000062%); no homozygotes.

Submission:

Labcorp Genetics (formerly Invitae), Labcorp
Classification: Uncertain significance for Arrhythmogenic cardiomyopathy with wooly hair and keratoderma; Arrhythmogenic right ventricular dysplasia 8. Last evaluated: 2018-01-28. Review status: criteria provided, single submitter. Criteria: Invitae Variant Classification Sherloc (09022015). Collection method: clinical testing. Allele origin: germline.
Comment: In summary, the available evidence is currently insufficient to determine the role of this variant in disease. Therefore, it has been classified as a Variant of Uncertain Significance. Algorithms developed to predict the effect of missense changes on protein structure and function do not agree on the potential impact of this missense change (SIFT: "Deleterious"; PolyPhen-2: "Probably Damaging"; Align-GVGD: "Class C0"). This variant has not been reported in the literature in individuals with DSP-related disease. This variant is not present in population databases (ExAC no frequency). This sequence change replaces glutamine with histidine at codon 436 of the DSP protein (p.Gln436His). The glutamine residue is highly conserved and there is a small physicochemical difference between glutamine and histidine.